The following is an entry in ClinVar:

ClinVar aggregate classification (germline): Uncertain significance (1 of 4 stars; one submission).

Submission:

Labcorp Genetics (formerly Invitae), Labcorp
Classification: Uncertain significance. Last evaluated: 2026-01-18. Review status: criteria provided, single submitter. Criteria: Invitae Variant Classification Sherloc (09022015). Collection method: clinical testing. Allele origin: germline.
Comment: This sequence change falls in intron 48 of the COL2A1 gene. It does not directly change the encoded amino acid sequence of the COL2A1 protein. It affects a nucleotide within the consensus splice site. This variant is not present in population databases (gnomAD no frequency). This variant has not been reported in the literature in individuals affected with COL2A1-related conditions. ClinVar contains an entry for this variant (Variation ID: 1997717). Variants that disrupt the consensus splice site are a relatively common cause of aberrant splicing (PMID: 17576681, 9536098). Algorithms developed to predict the effect of sequence changes on RNA splicing suggest that this variant may disrupt the consensus splice site. In summary, the available evidence is currently insufficient to determine the role of this variant in disease. Therefore, it has been classified as a Variant of Uncertain Significance.

Literature cited by the submitters: PubMed 17576681; PubMed 9536098.

NM_001844.5(COL2A1):c.3435+5G>A

Gene: COL2A1 (collagen type II alpha 1 chain; minus strand). Cytogenetic location: 12q13.11.
Variant type: single nucleotide variant.
Coding change: c.3435+5G>A on transcript NM_001844.5 (MANE Select); 5 bases into the intron after coding-DNA position 3435, G replaced by A.
Molecular consequence: intron variant.
Genome position (GRCh38, 1-based): chr12:47,976,807, C>T on the plus strand (G>A on the coding strand, the complement: COL2A1 is on the minus strand). VCF-style: chr12-47976807-C-T. GRCh37 (hg19) VCF-style: chr12-48370590-C-T.
Other names: c.3228+5G>A (NM_033150.3).
Identifiers: ClinVar variation 1997717 (VCV001997717.4), dbSNP rs2540105517, ClinGen allele CA2580085742.